The following is an entry in ClinVar:

NC_000023.11:g.(?_123888599)_(123888738_?)dup

Gene: XIAP (X-linked inhibitor of apoptosis; plus strand). Cytogenetic location: Xq25.
Variant type: Duplication.
Identifiers: ClinVar variation 833322 (VCV000833322.5).

ClinVar aggregate classification (germline): Likely pathogenic (1 of 4 stars; one submission).

Conditions:
X-linked lymphoproliferative disease due to XIAP deficiency. Also called: XIAP DEFICIENCY; XIAP-Related Lymphoproliferative Disease, X-Linked. Identifiers: Orphanet 2442, Orphanet 538934, MedGen C1845076, MONDO:0010385, OMIM 300635.

Submission:

Labcorp Genetics (formerly Invitae), Labcorp
Classification: Likely pathogenic for X-linked lymphoproliferative disease due to XIAP deficiency. Last evaluated: 2019-02-23. Review status: criteria provided, single submitter. Criteria: Invitae Variant Classification Sherloc (09022015). Collection method: clinical testing. Allele origin: germline.
Comment: In summary, the currently available evidence indicates that the variant is pathogenic, but additional data are needed to prove that conclusively. Therefore, this variant has been classified as Likely Pathogenic. Loss-of-function variants in XIAP are known to be pathogenic (PMID: 17080092, 21119115, 25666262). This variant has not been reported in the literature in individuals with XIAP-related conditions. This variant results in a copy number gain of the genomic region encompassing exon 3 of the XIAP gene. While the exact position of this variant cannot be determined from this data, sub-genic copy number gains are generally in tandem (PMID: 25640679) and may result in an absent or disrupted protein product.

Literature cited by the submitters: PubMed 17080092; PubMed 21119115; PubMed 25666262; PubMed 25640679.